The following is an entry in ClinVar:

ClinVar aggregate classification (germline): Uncertain significance (1 of 4 stars; one submission).

Conditions:
Epilepsy, X-linked 1, with variable learning disabilities and behavior disorders. Also called: X-linked epilepsy-learning disabilities-behavior disorders syndrome. Identifiers: Orphanet 85294, MedGen C5774177, MONDO:0010339, OMIM 300491.

Submission:

Labcorp Genetics (formerly Invitae), Labcorp
Classification: Uncertain significance for Epilepsy, X-linked 1, with variable learning disabilities and behavior disorders. Last evaluated: 2023-07-28. Review status: criteria provided, single submitter. Criteria: Invitae Variant Classification Sherloc (09022015). Collection method: clinical testing. Allele origin: germline.
Comment: In summary, the available evidence is currently insufficient to determine the role of this variant in disease. Therefore, it has been classified as a Variant of Uncertain Significance. An algorithm developed to predict the effect of missense changes on protein structure and function (PolyPhen-2) suggests that this variant is likely to be tolerated. This variant has not been reported in the literature in individuals affected with SYN1-related conditions. This variant is not present in population databases (gnomAD no frequency). This sequence change replaces proline, which is neutral and non-polar, with glutamine, which is neutral and polar, at codon 33 of the SYN1 protein (p.Pro33Gln).

NM_006950.3(SYN1):c.98C>A (p.Pro33Gln)

Gene: SYN1 (synapsin I; minus strand). Cytogenetic location: Xp11.23.
Variant type: single nucleotide variant.
Coding change: c.98C>A on transcript NM_006950.3 (MANE Select); coding-DNA position 98, C replaced by A.
Protein change: p.Pro33Gln; replaces proline 33 with glutamine.
Molecular consequence: missense variant.
Genome position (GRCh38, 1-based): chrX:47,619,631, G>T on the plus strand (C>A on the coding strand, the complement: SYN1 is on the minus strand). VCF-style: chrX-47619631-G-T. GRCh37 (hg19) VCF-style: chrX-47479030-G-T.
Other names: c.98C>A, p.Pro33Gln (NM_133499.2); short protein forms P33Q.
Identifiers: ClinVar variation 3011534 (VCV003011534.3), dbSNP rs760850291, ClinGen allele CA412832130.
Genomic context (GRCh38, chrX:47,619,631, plus strand): 5'-CTCTCGGCAGTGGCGGTCCCGGGACCGGGCGTGGCTCCGGGGCTGTGGGCACCGGGCGGC[G>T]GTGGGGGCGGCTGCGGACGCTGCAGGTCTGTCATGTACCCATTTGGCAGATTGGCCATAA-3'
Protein context (NP_008881.2, residues 23-43): TDLQRPQPPP[Pro33Gln]PPGAHSPGAT